The following is an entry in ClinVar:

ClinVar aggregate classification (germline): Likely pathogenic (1 of 4 stars; one submission).

Allele frequency attached by ClinVar (database versions not stated): gnomAD exomes below 0.00001.
gnomAD v4.1: 1 of 1,613,058 alleles (0.000062%); highest among the groups gnomAD compares: Non-Finnish European, 0.000085%; no homozygotes.

Submission:

GeneDx
Classification: Likely pathogenic. Last evaluated: 2018-11-05. Review status: criteria provided, single submitter. Criteria: GeneDx Variant Classification (06012015). Collection method: clinical testing. Allele origin: germline. Affected: yes.
Comment: The C247X variant in the COL6A1 gene has not been reported previously as a pathogenic variant nor as a benign variant, to our knowledge. This variant is predicted to cause loss of normal protein function either through protein truncation or nonsense-mediated mRNA decay. The C247X variant was not observed in approximately 6,500 individuals of European and African American ancestry in the NHLBI Exome Sequencing Project, indicating it is not a common benign variant in these populations. The C247X variant is a strong candidate for a pathogenic variant, however the possibility it may be a rare benign variant cannot be excluded.

NM_001848.3(COL6A1):c.741C>A (p.Cys247Ter)

Gene: COL6A1 (collagen type VI alpha 1 chain; plus strand). Cytogenetic location: 21q22.3.
Variant type: single nucleotide variant.
Coding change: c.741C>A on transcript NM_001848.3 (MANE Select); coding-DNA position 741, C replaced by A.
Protein change: p.Cys247Ter; replaces cysteine 247 with a stop codon.
Molecular consequence: nonsense.
Genome position (GRCh38, 1-based): chr21:45,987,501, C>A. VCF-style: chr21-45987501-C-A. GRCh37 (hg19) VCF-style: chr21-47407415-C-A.
Other names: short protein forms C247*.
Identifiers: ClinVar variation 384792 (VCV000384792.2), dbSNP rs1057522053, ClinGen allele CA16608563.
Genomic context (GRCh38, chr21:45,987,501, plus strand): 5'-TCCCAGCCGTATGTCCGTGGCTTTCCCACTGACTCGTCTCCATGCTTTCCCCCCACAGTG[C>A]TGCTCCTTCGAATGCCAGGTGAGTGTGCCCCCCGACCCCTGACCCCGCGCCCTGCACCCT-3'